The following is an entry in ClinVar:

NM_000138.5(FBN1):c.8239A>G (p.Thr2747Ala)

Gene: FBN1 (fibrillin 1; minus strand). Cytogenetic location: 15q21.1.
Variant type: single nucleotide variant.
Coding change: c.8239A>G on transcript NM_000138.5 (MANE Select); coding-DNA position 8239, A replaced by G.
Protein change: p.Thr2747Ala; replaces threonine 2747 with alanine.
Molecular consequence: missense variant.
Genome position (GRCh38, 1-based): chr15:48,411,367, T>C on the plus strand (A>G on the coding strand, the complement: FBN1 is on the minus strand). VCF-style: chr15-48411367-T-C. GRCh37 (hg19) VCF-style: chr15-48703564-T-C.
Other names: short protein forms T2747A.
Identifiers: ClinVar variation 923537 (VCV000923537.3), dbSNP rs2042862271, ClinGen allele CA392320180.

ClinVar aggregate classification (germline): Uncertain significance (1 of 4 stars; one submission).

Conditions:
Familial thoracic aortic aneurysm and aortic dissection (TAAD). Also called: Thoracic aortic aneurysms and dissections. Identifiers: Orphanet 91387, MedGen C4707243, MONDO:0019625.

gnomAD v4.1: 1 of 1,614,024 alleles (0.000062%); no homozygotes.

Submission:

Color Diagnostics, LLC DBA Color Health
Classification: Uncertain significance for Familial thoracic aortic aneurysm and aortic dissection. Last evaluated: 2018-12-11. Review status: criteria provided, single submitter. Criteria: ACMG Guidelines, 2015. Collection method: clinical testing. Allele origin: germline.
Comment: Variant of Uncertain Significance due to insufficient evidence: This missense variant replaces threonine with alanine at codon 2747 of the FBN1 protein. Computational prediction tools and conservation analyses suggest that this variant may not impact the protein function. Computational splicing tools suggest that this variant may not impact RNA splicing. To our knowledge, functional assays have not been performed for this variant nor has this variant been reported in individuals affected with cardiovascular disorders in the literature. This variant is rare in the general population and has been identified in 0/277264 chromosomes by the Genome Aggregation Database (gnomAD). Available evidence is insufficient to determine the pathogenicity of this variant conclusively.